The following is an entry in ClinVar:

ClinVar aggregate classification (germline): Uncertain significance (1 of 4 stars; one submission).

Conditions:
Brugada syndrome. Also called: Sudden unexpected nocturnal death syndrome; Sudden unexplained nocturnal death syndrome; Sudden Unexplained Nocturnal Death Syndrome (SUNDS); Sudden Unexplained Death Syndrome. Identifiers: Orphanet 130, MedGen C1142166, MONDO:0015263.

Allele frequency attached by ClinVar (database versions not stated): TOPMed below 0.00001.

Submission:

Labcorp Genetics (formerly Invitae), Labcorp
Classification: Uncertain significance for Brugada syndrome. Last evaluated: 2022-06-20. Review status: criteria provided, single submitter. Criteria: Invitae Variant Classification Sherloc (09022015). Collection method: clinical testing. Allele origin: germline.
Comment: In summary, the available evidence is currently insufficient to determine the role of this variant in disease. Therefore, it has been classified as a Variant of Uncertain Significance. This variant has not been reported in the literature in individuals affected with SCN10A-related conditions. This variant is not present in population databases (gnomAD no frequency). This sequence change creates a premature translational stop signal (p.Arg1263Hisfs*20) in the SCN10A gene. It is expected to result in an absent or disrupted protein product. However, the current clinical and genetic evidence is not sufficient to establish whether loss-of-function variants in SCN10A cause disease.

NM_006514.4(SCN10A):c.3788del (p.Arg1263fs)

Gene: SCN10A (sodium voltage-gated channel alpha subunit 10; minus strand). Cytogenetic location: 3p22.2.
Variant type: Deletion.
Coding change: c.3788del on transcript NM_006514.4 (MANE Select); coding-DNA position 3788, one base deleted (G; older notation c.3788delG).
Protein change: p.Arg1263fs; shifts the reading frame from arginine 1263.
Molecular consequence: frameshift variant.
Genome position (GRCh38, 1-based): chr3:38,713,974, C deleted on the plus strand (G on the coding strand, the reverse complement: SCN10A is on the minus strand). VCF-style (leftmost placement, unchanged base first): chr3-38713973-TC-T. GRCh37 (hg19) VCF-style: chr3-38755464-TC-T.
Other names: c.3785del, p.Arg1262fs (NM_001293306.2); c.3494del, p.Arg1165fs (NM_001293307.2); short protein forms R1263fs, R1165fs, R1262fs.
Identifiers: ClinVar variation 1918055 (VCV001918055.5), dbSNP rs2063303958, ClinGen allele CA1358634941.